The following is an entry in ClinVar:

ClinVar aggregate classification (germline): Likely benign. Review status: criteria provided, single submitter (1 of 4 stars). 2 submissions from 2 submitters: Likely benign (1). 1 of the submissions does not count toward it. Last evaluated 2025-07-29.

Conditions:
NRIP1-related disorder. Also called: NRIP1-related condition.

Allele frequency attached by ClinVar (database versions not stated): gnomAD 0.00005; 1000 Genomes Project 30x 0.00016; ExAC 0.00019; 1000 Genomes Project 0.00020.
gnomAD v4.1: 91 of 1,613,956 alleles (0.0056%); highest among the groups gnomAD compares: East Asian, 0.19%; no homozygotes.

Submissions (2):

Labcorp Genetics (formerly Invitae), Labcorp
Classification: Likely benign. Last evaluated: 2025-07-29. Review status: criteria provided, single submitter. Criteria: Invitae Variant Classification Sherloc (09022015). Collection method: clinical testing. Allele origin: germline.

PreventionGenetics, part of Exact Sciences
Classification: Likely benign for NRIP1-related condition. Last evaluated: 2019-08-20. Review status: no assertion criteria provided. Collection method: clinical testing. Allele origin: germline. Not counted in ClinVar's aggregate classification.
Comment: This variant is classified as likely benign based on ACMG/AMP sequence variant interpretation guidelines (Richards et al. 2015 PMID: 25741868, with internal and published modifications).

NM_003489.4(NRIP1):c.2705T>G (p.Phe902Cys)

Gene: NRIP1 (nuclear receptor interacting protein 1; minus strand). Cytogenetic location: 21q11.2.
Variant type: single nucleotide variant.
Coding change: c.2705T>G on transcript NM_003489.4 (MANE Select); coding-DNA position 2705, T replaced by G.
Protein change: p.Phe902Cys; replaces phenylalanine 902 with cysteine.
Molecular consequence: missense variant.
Genome position (GRCh38, 1-based): chr21:14,965,488, A>C on the plus strand (T>G on the coding strand, the complement: NRIP1 is on the minus strand). VCF-style: chr21-14965488-A-C. GRCh37 (hg19) VCF-style: chr21-16337809-A-C.
Other names: short protein forms F902C.
Identifiers: ClinVar variation 3053171 (VCV003053171.3), dbSNP rs571541083, ClinGen allele CA9981096.
Genomic context (GRCh38, chr21:14,965,488, plus strand): 5'-TCACTTTCGCTGGCTGAGCCATGACCAGCAGGATATTTAAATTCAAGATCATTTCTGCTA[A>C]ATTTCAGCTCTTCCTGGTTAAGCAAGGACCCATACAGTACTTCTGGGGCACTGTGATTGT-3'
Protein context (NP_003480.2, residues 892-912): GSLLNQEELK[Phe902Cys]SRNDLEFKYP